The following is an entry in ClinVar:

ClinVar aggregate classification (germline): Likely benign (0 of 4 stars; one submission).

Conditions:
CPE-related disorder. Also called: CPE-related condition.

Allele frequency attached by ClinVar (database versions not stated): gnomAD exomes 0.00002.
gnomAD v4.1: 32 of 1,533,548 alleles (0.0021%); highest among the groups gnomAD compares: Non-Finnish European, 0.0029%; no homozygotes.

Submission:

PreventionGenetics, part of Exact Sciences
Classification: Likely benign for CPE-related condition. Last evaluated: 2023-06-01. Review status: no assertion criteria provided. Collection method: clinical testing. Allele origin: germline.
Comment: This variant is classified as likely benign based on ACMG/AMP sequence variant interpretation guidelines (Richards et al. 2015 PMID: 25741868, with internal and published modifications).

NM_001873.4(CPE):c.1332+10C>A

Gene: CPE (carboxypeptidase E; plus strand). Cytogenetic location: 4q32.3.
Variant type: single nucleotide variant.
Coding change: c.1332+10C>A on transcript NM_001873.4 (MANE Select); 10 bases into the intron after coding-DNA position 1332, C replaced by A.
Molecular consequence: intron variant.
Genome position (GRCh38, 1-based): chr4:165,495,687, C>A. VCF-style: chr4-165495687-C-A. GRCh37 (hg19) VCF-style: chr4-166416839-C-A.
Identifiers: ClinVar variation 3029629 (VCV003029629.2), dbSNP rs2478238652, ClinGen allele CA2578227287.